The following is an entry in ClinVar:

ClinVar aggregate classification (germline): Uncertain significance. Review status: criteria provided, multiple submitters, no conflicts (2 of 4 stars). 2 submissions from 2 submitters: Uncertain significance (2). Last evaluated 2022-07-08.

Conditions:
Hereditary nonpolyposis colorectal neoplasms. Identifiers: MedGen C0009405, MeSH D003123.
Hereditary cancer-predisposing syndrome. Also called: Hereditary Cancer Syndrome; Neoplastic Syndromes, Hereditary; Tumor predisposition; Hereditary neoplastic syndrome. Identifiers: Orphanet 140162, MedGen C0027672, MeSH D009386, MONDO:0015356.

Submissions (2):

Labcorp Genetics (formerly Invitae), Labcorp
Classification: Uncertain significance for Hereditary nonpolyposis colorectal neoplasms. Last evaluated: 2022-07-08. Review status: criteria provided, single submitter. Criteria: Invitae Variant Classification Sherloc (09022015). Collection method: clinical testing. Allele origin: germline.
Comment: This variant is not present in population databases (gnomAD no frequency). This sequence change replaces serine, which is neutral and polar, with asparagine, which is neutral and polar, at codon 6 of the PMS2 protein (p.Ser6Asn). This variant has not been reported in the literature in individuals affected with PMS2-related conditions. In summary, the available evidence is currently insufficient to determine the role of this variant in disease. Therefore, it has been classified as a Variant of Uncertain Significance. Advanced modeling of protein sequence and biophysical properties (such as structural, functional, and spatial information, amino acid conservation, physicochemical variation, residue mobility, and thermodynamic stability) performed at Invitae indicates that this missense variant is not expected to disrupt PMS2 protein function. ClinVar contains an entry for this variant (Variation ID: 480349).

Ambry Genetics
Classification: Uncertain significance for Hereditary cancer-predisposing syndrome. Last evaluated: 2019-12-30. Review status: criteria provided, single submitter. Criteria: Ambry Variant Classification Scheme 2023. Collection method: clinical testing. Allele origin: germline.
Comment: The p.S6N variant (also known as c.17G>A), located in coding exon 1 of the PMS2 gene, results from a G to A substitution at nucleotide position 17. The serine at codon 6 is replaced by asparagine, an amino acid with highly similar properties. This amino acid position is not conserved on limited sequence alignment. In addition, the in silico prediction for this alteration is inconclusive. Since supporting evidence is limited at this time, the clinical significance of this alteration remains unclear.

NM_000535.7(PMS2):c.17G>A (p.Ser6Asn)

Gene: PMS2 (PMS1 homolog 2, mismatch repair system component; minus strand). Cytogenetic location: 7p22.1.
Variant type: single nucleotide variant.
Coding change: c.17G>A on transcript NM_000535.7 (MANE Select); coding-DNA position 17, G replaced by A.
Protein change: p.Ser6Asn; replaces serine 6 with asparagine.
Molecular consequence: missense variant. On other transcripts: 5 prime UTR variant (11), non-coding transcript variant (1).
Genome position (GRCh38, 1-based): chr7:6,009,003, C>T on the plus strand (G>A on the coding strand, the complement: PMS2 is on the minus strand). VCF-style: chr7-6009003-C-T. GRCh37 (hg19) VCF-style: chr7-6048634-C-T.
Other names: c.-384G>A (NM_001322003.2, NM_001322013.2); c.-249G>A (NM_001322004.2, NM_001322010.2); c.-579G>A (NM_001322005.2); c.17G>A, p.Ser6Asn (NM_001322006.2, NM_001322014.2); c.-199G>A (NM_001322007.2); c.-59G>A (NM_001322008.2); c.-574G>A (NM_001322009.2); c.-868G>A (NM_001322011.2); and 2 more; short protein forms S6N.
Identifiers: ClinVar variation 480349 (VCV000480349.10), dbSNP rs587781112, ClinGen allele CA366745228.